The following is an entry in ClinVar:

ClinVar aggregate classification (germline): Uncertain significance (1 of 4 stars; one submission).

Submission:

Labcorp Genetics (formerly Invitae), Labcorp
Classification: Uncertain significance. Last evaluated: 2022-08-25. Review status: criteria provided, single submitter. Criteria: Invitae Variant Classification Sherloc (09022015). Collection method: clinical testing. Allele origin: germline.
Comment: This variant, c.3931_3933del, results in the deletion of 1 amino acid(s) of the ERBIN protein (p.Pro1311del), but otherwise preserves the integrity of the reading frame. In summary, the available evidence is currently insufficient to determine the role of this variant in disease. Therefore, it has been classified as a Variant of Uncertain Significance. Experimental studies and prediction algorithms are not available or were not evaluated, and the functional significance of this variant is currently unknown. This variant has not been reported in the literature in individuals affected with ERBIN-related conditions. This variant is present in population databases (no rsID available, gnomAD 0.0009%).

NM_001253697.2(ERBIN):c.3931_3933del (p.Pro1311del)

Gene: ERBIN (erbb2 interacting protein; plus strand). Cytogenetic location: 5q12.3.
Variant type: Deletion.
Coding change: c.3931_3933del on transcript NM_001253697.2 (MANE Select); coding-DNA positions 3931 to 3933, 3 bases deleted (CCT; older notation c.3931_3933delCCT).
Protein change: p.Pro1311del; deletes proline 1311.
Molecular consequence: inframe deletion. On other transcripts: intron variant (1).
Genome position (GRCh38, 1-based): chr5:66,075,198-66,075,200, CCT deleted; deleting any 3 consecutive bases within chr5:66,075,196-66,075,200 gives the same sequence; the c. name uses the placement nearest the transcript's 3' end. VCF-style (leftmost placement, unchanged base first): chr5-66075195-TCTC-T. GRCh37 (hg19) VCF-style: chr5-65371023-TCTC-T.
Other names: c.3808_3810del, p.Pro1270del (NM_001253698.2, NM_018695.4); c.3952_3954del, p.Pro1318del (NM_001253699.2); c.3796_3798del, p.Pro1266del (NM_001253701.2); c.3634-1118_3634-1116del (NM_001006600.3); short protein forms P1266del, P1270del, P1311del, P1318del.
Identifiers: ClinVar variation 1992503 (VCV001992503.4), dbSNP rs1387849187, ClinGen allele CA560298452.
Genomic context (GRCh38, chr5:66,075,195, plus strand): 5'-CTAATTGATTACTTGATGCTGAAAGTGGCCCACCAGCCTCCATATACACAGCCCCATTGT[TCTC>T]CTAGACAAGGCCATGAACTGGCAAAACAAGAGGTAAGAATAATCAAGACTATTTGAAATA-3'